The following is an entry in ClinVar:

NM_001673.5(ASNS):c.187C>T (p.Arg63Ter)

Genes: ASNS (asparagine synthetase (glutamine-hydrolyzing); minus strand), CZ1P-ASNS (CZ1P-ASNS readthrough; minus strand). Cytogenetic location: 7q21.3.
Variant type: single nucleotide variant.
Coding change: c.187C>T on transcript NM_001673.5 (MANE Select); coding-DNA position 187, C replaced by T.
Protein change: p.Arg63Ter; replaces arginine 63 with a stop codon.
Molecular consequence: nonsense. On other transcripts: non-coding transcript variant (1), intron variant (2).
Genome position (GRCh38, 1-based): chr7:97,868,970, G>A on the plus strand (C>T on the coding strand, the complement: ASNS is on the minus strand). VCF-style: chr7-97868970-G-A. GRCh37 (hg19) VCF-style: chr7-97498282-G-A.
Other names: c.187C>T, p.Arg63Ter (NM_133436.3, NM_001352496.2, NM_183356.4); c.124C>T, p.Arg42Ter (NM_001178075.2); c.-1+3381C>T (NM_001178076.2); c.-1+3071C>T (NM_001178077.1); short protein forms R63*, R42*.
Identifiers: ClinVar variation 421213 (VCV000421213.10), dbSNP rs373645939, ClinGen allele CA4354833.
Genomic context (GRCh38, chr7:97,868,970, plus strand): 5'-TCTTATGGTTGTAGATTTCACCATTGTAACAGAGCCACAAATACGGATATTTCTTCACTC[G>A]AATTGGCTGCATTCCAAACAGCGGGTCAACTACCGCCAACCGGTGAAATCCAAAGCAGCA-3'

ClinVar aggregate classification (germline): Pathogenic/Likely pathogenic. Review status: criteria provided, multiple submitters, no conflicts (2 of 4 stars). 5 submissions from 5 submitters: Pathogenic (1); Likely pathogenic (3). 1 of the submissions does not count toward it. Last evaluated 2025-12-02.

Conditions:
ASNS-related disorder. Also called: ASNS-related condition.
Congenital microcephaly - severe encephalopathy - progressive cerebral atrophy syndrome. Also called: ASNS DEFICIENCY; Asparagine synthetase deficiency. Identifiers: Orphanet 391376, MedGen C3809971, MONDO:0014258, OMIM 615574.

Allele frequency attached by ClinVar (database versions not stated): gnomAD 0.00001; gnomAD exomes 0.00001; ExAC 0.00002; TOPMed 0.00003; ESP Exome Variant Server 0.00008.
gnomAD v4.1: 16 of 1,614,040 alleles (0.00099%); highest among the groups gnomAD compares: African/African-American, 0.0013%; no homozygotes.

Submissions (5):

Natera, Inc.
Classification: Likely pathogenic for Asparagine synthetase deficiency. Last evaluated: 2025-12-02. Review status: criteria provided, single submitter. Criteria: Natera Variant Classification Schema (03/2026). Collection method: clinical testing. Allele origin: germline.
Comment: The c.187C>T variant in ASNS is a nonsense variant predicted to introduce a stop codon at amino acid 63. This variant is expected to result in nonsense mediated decay, truncation, or a dysfunctional protein product. This variant is rare in the general population with a frequency below the threshold expected for the associated phenotype(s). Given the available evidence, this variant is classified as Likely Pathogenic.

Labcorp Genetics (formerly Invitae), Labcorp
Classification: Pathogenic. Last evaluated: 2025-08-07. Review status: criteria provided, single submitter. Criteria: Invitae Variant Classification Sherloc (09022015). Collection method: clinical testing. Allele origin: germline.
Comment: This sequence change creates a premature translational stop signal (p.Arg63*) in the ASNS gene. It is expected to result in an absent or disrupted protein product. Loss-of-function variants in ASNS are known to be pathogenic (PMID: 27422383, 30057589). The frequency data for this variant in the population databases is considered unreliable, as metrics indicate poor data quality at this position in the gnomAD database. This variant has not been reported in the literature in individuals affected with ASNS-related conditions. ClinVar contains an entry for this variant (Variation ID: 421213). For these reasons, this variant has been classified as Pathogenic.

Fulgent Genetics
Classification: Likely pathogenic for Congenital microcephaly - severe encephalopathy - progressive cerebral atrophy syndrome. Last evaluated: 2024-04-26. Review status: criteria provided, single submitter. Criteria: ACMG Guidelines, 2015. Collection method: clinical testing. Allele origin: germline.

GeneDx
Classification: Likely pathogenic. Last evaluated: 2017-04-12. Review status: criteria provided, single submitter. Criteria: GeneDx Variant Classification (06012015). Collection method: clinical testing. Allele origin: germline. Affected: yes.
Comment: The R63X variant in the ASNS gene has not been reported previously as a pathogenic variant nor as a benign variant, to our knowledge. This variant is predicted to cause loss of normal protein function either through protein truncation or nonsense-mediated mRNA decay. The R63X variant was not observed with a significant frequency in approximately 6,500 individuals of European and African American ancestry in the NHLBI Exome Sequencing Project, indicating it is not a common benign variant in these populations. WE interpret R63X as a likely pathogenic variant based on the 2015 ACMG standards and guidelines for the interpretation of sequence variants (Richards et al., 2015).

PreventionGenetics, part of Exact Sciences
Classification: Likely pathogenic for ASNS-related condition. Last evaluated: 2024-04-26. Review status: no assertion criteria provided. Collection method: clinical testing. Allele origin: germline. Not counted in ClinVar's aggregate classification.
Comment: The ASNS c.187C>T variant is predicted to result in premature protein termination (p.Arg63*). To our knowledge, this variant has not been reported in individuals with ASNS-related disorders. However, this variant has been reported in studies of individuals with autism spectrum disorder (Supplementary Table 20, Reported via GRCh38 as 7: 97868970, de novo variant, Fu et al. 2022. PubMed ID: 35982160; Supplementary Data 1, Zhou et al. 2022. PubMed ID: 35982159). This variant is reported in 0.0031% of alleles in individuals of European (Non-Finnish) descent in gnomAD. Nonsense variants in ASNS are expected to be pathogenic. This variant is interpreted as likely pathogenic.

Literature cited by the submitters: PubMed 27422383 (cited by Labcorp Genetics (formerly Invitae), Labcorp); PubMed 30057589 (cited by Labcorp Genetics (formerly Invitae), Labcorp).